The following is an entry in ClinVar:

ClinVar aggregate classification (germline): Uncertain significance (1 of 4 stars; one submission).

Conditions:
Achondrogenesis, type IB (ACG1B). Also called: Achondrogenesis Type 1B. Identifiers: Orphanet 932, Orphanet 93298, MedGen C0265274, MONDO:0010966, OMIM 600972.
Diastrophic dysplasia (DTD). Also called: Diastrophic dwarfism. Identifiers: Orphanet 628, MedGen C0220726, MONDO:0009107, OMIM 222600.
Multiple epiphyseal dysplasia type 4 (EDM4). Also called: MULTIPLE EPIPHYSEAL DYSPLASIA WITH BILAYERED PATELLAE; MULTIPLE EPIPHYSEAL DYSPLASIA WITH CLUBFOOT; MULTIPLE EPIPHYSEAL DYSPLASIA, AUTOSOMAL RECESSIVE; SLC26A2-Related Multiple Epiphyseal Dysplasia; Multiple Epiphyseal Dysplasia, Recessive. Identifiers: Orphanet 93307, MedGen C1847593, MONDO:0009189, OMIM 226900.
Atelosteogenesis type II (AO2). Also called: NEONATAL OSSEOUS DYSPLASIA I; Neonatal osseous dysplasia 1; SLC26A2-Related Atelosteogenesis. Identifiers: Orphanet 56304, MedGen C1850554, MONDO:0009727, OMIM 256050.

Allele frequency attached by ClinVar (database versions not stated): gnomAD exomes 0.00001; TOPMed 0.00001; ExAC 0.00002; gnomAD 0.00003.
gnomAD v4.1: 15 of 1,611,342 alleles (0.00093%); highest among the groups gnomAD compares: Non-Finnish European, 0.0012%; no homozygotes.

Submission:

Labcorp Genetics (formerly Invitae), Labcorp
Classification: Uncertain significance for Atelosteogenesis type II; Multiple epiphyseal dysplasia type 4; Achondrogenesis, type IB; Diastrophic dysplasia. Last evaluated: 2024-04-23. Review status: criteria provided, single submitter. Criteria: Invitae Variant Classification Sherloc (09022015). Collection method: clinical testing. Allele origin: germline.
Comment: This sequence change replaces methionine, which is neutral and non-polar, with threonine, which is neutral and polar, at codon 716 of the SLC26A2 protein (p.Met716Thr). This variant is present in population databases (rs760613033, gnomAD 0.002%). This variant has not been reported in the literature in individuals affected with SLC26A2-related conditions. ClinVar contains an entry for this variant (Variation ID: 1352384). Advanced modeling of protein sequence and biophysical properties (such as structural, functional, and spatial information, amino acid conservation, physicochemical variation, residue mobility, and thermodynamic stability) performed at Invitae indicates that this missense variant is not expected to disrupt SLC26A2 protein function with a negative predictive value of 80%. In summary, the available evidence is currently insufficient to determine the role of this variant in disease. Therefore, it has been classified as a Variant of Uncertain Significance.

NM_000112.4(SLC26A2):c.2147T>C (p.Met716Thr)

Gene: SLC26A2 (solute carrier family 26 member 2; plus strand). Cytogenetic location: 5q32.
Variant type: single nucleotide variant.
Coding change: c.2147T>C on transcript NM_000112.4 (MANE Select); coding-DNA position 2147, T replaced by C.
Protein change: p.Met716Thr; replaces methionine 716 with threonine.
Molecular consequence: missense variant.
Genome position (GRCh38, 1-based): chr5:149,981,740, T>C. VCF-style: chr5-149981740-T-C. GRCh37 (hg19) VCF-style: chr5-149361303-T-C.
Other names: short protein forms M716T.
Identifiers: ClinVar variation 1352384 (VCV001352384.7), dbSNP rs760613033, ClinGen allele CA3505561.